The following is an entry in ClinVar:

ClinVar aggregate classification (germline): Likely benign. Review status: criteria provided, multiple submitters, no conflicts (2 of 4 stars). 5 submissions from 5 submitters: Likely benign (5). Last evaluated 2026-02-13.

Conditions:
Ehlers-Danlos syndrome, musculocontractural type 2 (EDSMC2). Identifiers: Orphanet 2953, MedGen C3809845, MONDO:0014236, OMIM 615539.

Allele frequency attached by ClinVar (database versions not stated): ExAC 0.00008; ESP Exome Variant Server 0.00008; gnomAD exomes 0.00008 and 0.00010; TOPMed 0.00008; gnomAD 0.00011.
gnomAD v4.1: 161 of 1,613,728 alleles (0.01%); highest among the groups gnomAD compares: East Asian, 0.033%; no homozygotes.

Submissions (5):

Women's Health and Genetics/Laboratory Corporation of America, LabCorp
Classification: Likely benign. Last evaluated: 2026-02-13. Review status: criteria provided, single submitter. Criteria: LabCorp Variant Classification Summary - May 2015. Collection method: clinical testing. Allele origin: germline.

Labcorp Genetics (formerly Invitae), Labcorp
Classification: Likely benign for Ehlers-Danlos syndrome, musculocontractural type 2. Last evaluated: 2025-06-11. Review status: criteria provided, single submitter. Criteria: Invitae Variant Classification Sherloc (09022015). Collection method: clinical testing. Allele origin: germline.

CeGaT Center for Human Genetics Tuebingen
Classification: Likely benign. Last evaluated: 2025-06-01. Review status: criteria provided, single submitter. Criteria: CeGaT Center For Human Genetics Tuebingen Variant Classification Criteria Version 2. Collection method: clinical testing. Allele origin: germline. Affected: yes. Observed: 1 variant allele.
Comment: DSE: BP4, BP7

Mayo Clinic Laboratories, Mayo Clinic
Classification: Likely benign. Last evaluated: 2025-02-17. Review status: criteria provided, single submitter. Criteria: ACMG Guidelines, 2015. Collection method: clinical testing. Allele origin: germline. Observed: 2 variant alleles.
Comment: BP4, BP7

GeneDx
Classification: Likely benign. Last evaluated: 2021-06-04. Review status: criteria provided, single submitter. Criteria: GeneDx Variant Classification Process June 2021. Collection method: clinical testing. Allele origin: germline. Affected: yes.

NM_013352.4(DSE):c.645G>A (p.Thr215=)

Gene: DSE (dermatan sulfate epimerase; plus strand). Cytogenetic location: 6q22.1.
Variant type: single nucleotide variant.
Coding change: c.645G>A on transcript NM_013352.4 (MANE Select); coding-DNA position 645, G replaced by A.
Protein change: p.Thr215=; no amino-acid change (threonine 215 retained).
Molecular consequence: synonymous variant. On other transcripts: 5 prime UTR variant (1), missense variant (1), non-coding transcript variant (1).
Genome position (GRCh38, 1-based): chr6:116,426,802, G>A. VCF-style: chr6-116426802-G-A. GRCh37 (hg19) VCF-style: chr6-116747965-G-A.
Other names: p.Thr215=; c.645G>A, p.Thr215= (NM_001080976.3, NM_001322937.2, NM_001322938.2 and 3 more transcripts); c.702G>A, p.Thr234= (NM_001322939.2); c.84G>A, p.Thr28= (NM_001322940.2, NM_001322941.2); c.-256G>A (NM_001374520.1); c.58G>A, p.Gly20Arg (NM_001374521.1); short protein forms G20R.
Identifiers: ClinVar variation 1186668 (VCV001186668.22), dbSNP rs370613241, ClinGen allele CA3969543.
Genomic context (GRCh38, chr6:116,426,802, plus strand): 5'-AGGATGGGGATTTCAATACCTGCACAATCATCAGCCCACCAACTGTATGGCTTTGCTCAC[G>A]GGAAGCCTAGTCCTGATGAATCAAGGTGGGTGTGGACACAGCCAAGGTGATGCCTGAGCT-3'
Protein context (NP_037484.1, residues 205-225): HQPTNCMALL[Thr215=]GSLVLMNQGY